The following is an entry in ClinVar:

NM_001060.6(TBXA2R):c.795C>T (p.Ile265=)

Gene: TBXA2R (thromboxane A2 receptor; minus strand). Cytogenetic location: 19p13.3.
Variant type: single nucleotide variant.
Coding change: c.795C>T on transcript NM_001060.6 (MANE Select); coding-DNA position 795, C replaced by T.
Protein change: p.Ile265=; no amino-acid change (isoleucine 265 retained).
Molecular consequence: synonymous variant.
Genome position (GRCh38, 1-based): chr19:3,595,925, G>A on the plus strand (C>T on the coding strand, the complement: TBXA2R is on the minus strand). VCF-style: chr19-3595925-G-A. GRCh37 (hg19) VCF-style: chr19-3595923-G-A.
Other names: p.Ile265=; c.795C>T, p.Ile265= (NM_201636.3).
Identifiers: ClinVar variation 263268 (VCV000263268.10), dbSNP rs1131882, ClinGen allele CA9080774.
Genomic context (GRCh38, chr19:3,595,925, plus strand): 5'-GGTGCGGGACAGCTGCCCGGCGGGGCTCATGGCAGGCGGGTTTCGCAGCACTGTCTGGGC[G>A]ATGAAGACCTGCAAAGGGGAGAGCTGTCAGCCTGGGCCCCCGCCTCCAGCCCCGCCCGCC-3'
Protein context (NP_001051.1, residues 255-275): SVCWLPLLVF[Ile265=]AQTVLRNPPA

ClinVar aggregate classification (germline): Benign/Likely benign. Review status: criteria provided, multiple submitters, no conflicts (2 of 4 stars). 6 submissions from 6 submitters: Benign (5); Likely benign (1). Last evaluated 2026-02-04.

Allele frequency attached by ClinVar (database versions not stated): ESP Exome Variant Server 0.12078; gnomAD 0.14620 and 0.15490; TOPMed 0.16604; gnomAD exomes 0.16967 and 0.22346; 1000 Genomes Project 30x 0.22314; 1000 Genomes Project 0.23462; ExAC 0.26519.
gnomAD v4.1: 268,690 of 1,590,290 alleles (17%); highest among the groups gnomAD compares: East Asian, 62%; 29,341 homozygotes.

Submissions (6):

Labcorp Genetics (formerly Invitae), Labcorp
Classification: Benign. Last evaluated: 2026-02-04. Review status: criteria provided, single submitter. Criteria: Invitae Variant Classification Sherloc (09022015). Collection method: clinical testing. Allele origin: germline.

Mayo Clinic Laboratories, Mayo Clinic
Classification: Benign. Last evaluated: 2025-03-04. Review status: criteria provided, single submitter. Criteria: ACMG Guidelines, 2015. Collection method: clinical testing. Allele origin: germline. Observed: 169 variant alleles.
Comment: BA1, BS2, BP4, BP7

Blueprint Genetics
Classification: Likely benign. Last evaluated: 2024-11-28. Review status: criteria provided, single submitter. Criteria: ACMG Guidelines, 2015. Collection method: clinical testing. Allele origin: germline.

GeneDx
Classification: Benign. Last evaluated: 2018-07-09. Review status: criteria provided, single submitter. Criteria: GeneDx Variant Classification Process June 2021. Collection method: clinical testing. Allele origin: germline. Affected: yes.
Comment: This variant is associated with the following publications: (PMID: 11922633, 23517037)

Breakthrough Genomics
Classification: Benign. Review status: criteria provided, single submitter. Criteria: ACMG Guidelines, 2015. Collection method: not provided. Allele origin: germline. Inheritance: Autosomal dominant inheritance. Affected: yes.

PreventionGenetics, part of Exact Sciences
Classification: Benign. Review status: criteria provided, single submitter. Criteria: ACMG Guidelines, 2015. Collection method: clinical testing. Allele origin: germline.